The following is an entry in ClinVar:

NM_000051.4(ATM):c.2824C>G (p.Leu942Val)

Gene: ATM (ATM serine/threonine kinase; plus strand). Cytogenetic location: 11q22.3.
Variant type: single nucleotide variant.
Coding change: c.2824C>G on transcript NM_000051.4 (MANE Select); coding-DNA position 2824, C replaced by G.
Protein change: p.Leu942Val; replaces leucine 942 with valine.
Molecular consequence: missense variant.
Genome position (GRCh38, 1-based): chr11:108,268,595, C>G. VCF-style: chr11-108268595-C-G. GRCh37 (hg19) VCF-style: chr11-108139322-C-G.
Other names: c.2824C>G, p.Leu942Val (NM_001351834.2); short protein forms L942V.
Identifiers: ClinVar variation 1796487 (VCV001796487.2), dbSNP rs3218688, ClinGen allele CA382545795.

ClinVar aggregate classification (germline): Uncertain significance (1 of 4 stars; one submission).

Conditions:
Hereditary cancer-predisposing syndrome. Also called: Tumor predisposition; Hereditary Cancer Syndrome; Neoplastic Syndromes, Hereditary; Hereditary neoplastic syndrome. Identifiers: Orphanet 140162, MedGen C0027672, MeSH D009386, MONDO:0015356.

gnomAD v4.1: 1 of 1,613,936 alleles (0.000062%); highest among the groups gnomAD compares: Non-Finnish European, 0.000085%; no homozygotes.

Submission:

Ambry Genetics
Classification: Uncertain significance for Hereditary cancer-predisposing syndrome. Last evaluated: 2022-01-08. Review status: criteria provided, single submitter. Criteria: Ambry Variant Classification Scheme 2023. Collection method: clinical testing. Allele origin: germline.
Comment: The p.L942V variant (also known as c.2824C>G), located in coding exon 17 of the ATM gene, results from a C to G substitution at nucleotide position 2824. The leucine at codon 942 is replaced by valine, an amino acid with highly similar properties. This amino acid position is conserved. In addition, this alteration is predicted to be tolerated by in silico analysis. Since supporting evidence is limited at this time, the clinical significance of this alteration remains unclear.